The following is an entry in ClinVar:

NM_001365999.1(SZT2):c.498G>T (p.Gln166His)

Gene: SZT2 (SZT2 subunit of KICSTOR complex; plus strand). Cytogenetic location: 1p34.2.
Variant type: single nucleotide variant.
Coding change: c.498G>T on transcript NM_001365999.1 (MANE Select); coding-DNA position 498, G replaced by T.
Protein change: p.Gln166His; replaces glutamine 166 with histidine.
Molecular consequence: missense variant.
Genome position (GRCh38, 1-based): chr1:43,404,550, G>T. VCF-style: chr1-43404550-G-T. GRCh37 (hg19) VCF-style: chr1-43870221-G-T.
Other names: c.498G>T, p.Gln166His (NM_015284.4); short protein forms Q166H.
Identifiers: ClinVar variation 559530 (VCV000559530.4), dbSNP rs1553138869, ClinGen allele CA339998105.

ClinVar aggregate classification (germline): Likely pathogenic (0 of 4 stars; one submission).

Conditions:
Developmental and epileptic encephalopathy, 18 (DEE18). Also called: Early infantile epileptic encephalopathy 18. Identifiers: Orphanet 369894, MedGen C3809624, MONDO:0014201, OMIM 615476.

Submission:

Institute for Biomedicine, Eurac Research
Classification: Likely pathogenic for Developmental and epileptic encephalopathy, 18. Last evaluated: 2018-07-16. Review status: no assertion criteria provided. Collection method: research. Allele origin: maternal, unknown. Inheritance: Autosomal recessive inheritance. Affected: yes and no. Observed: 1 heterozygote, 2 compound heterozygotes. Clinical features observed: Early-onset epilepsy and intellectual disability.
Comment: This variant and dbSNP:rs765848129 were observed in a compound-heterozygous state in two affected brothers.

Literature cited by the submitters: PubMed 30818181.